The following is an entry in ClinVar:

ClinVar aggregate classification (germline): Likely benign (0 of 4 stars; one submission).

Conditions:
UACA-related disorder. Also called: UACA-related condition.

Allele frequency attached by ClinVar (database versions not stated): gnomAD 0.00010; 1000 Genomes Project 30x 0.00031; 1000 Genomes Project 0.00040.
gnomAD v4.1: 108 of 1,614,006 alleles (0.0067%); highest among the groups gnomAD compares: East Asian, 0.23%; no homozygotes.

Submission:

PreventionGenetics, part of Exact Sciences
Classification: Likely benign for UACA-related condition. Last evaluated: 2022-03-01. Review status: no assertion criteria provided. Collection method: clinical testing. Allele origin: germline.
Comment: This variant is classified as likely benign based on ACMG/AMP sequence variant interpretation guidelines (Richards et al. 2015 PMID: 25741868, with internal and published modifications).

NM_018003.4(UACA):c.2965G>A (p.Val989Ile)

Gene: UACA (uveal autoantigen with coiled-coil domains and ankyrin repeats; minus strand). Cytogenetic location: 15q23.
Variant type: single nucleotide variant.
Coding change: c.2965G>A on transcript NM_018003.4 (MANE Select); coding-DNA position 2965, G replaced by A.
Protein change: p.Val989Ile; replaces valine 989 with isoleucine.
Molecular consequence: missense variant.
Genome position (GRCh38, 1-based): chr15:70,667,719, C>T on the plus strand (G>A on the coding strand, the complement: UACA is on the minus strand). VCF-style: chr15-70667719-C-T. GRCh37 (hg19) VCF-style: chr15-70960058-C-T.
Other names: c.2926G>A, p.Val976Ile (NM_001008224.3); short protein forms V976I, V989I.
Identifiers: ClinVar variation 3051519 (VCV003051519.2), dbSNP rs150013138, ClinGen allele CA7636912.